The following is an entry in ClinVar:

ClinVar aggregate classification (germline): Uncertain significance. Review status: criteria provided, multiple submitters, no conflicts (2 of 4 stars). 2 submissions from 2 submitters: Uncertain significance (2). Last evaluated 2022-12-14.

Conditions:
Hereditary cancer-predisposing syndrome. Also called: Hereditary Cancer Syndrome; Hereditary neoplastic syndrome; Neoplastic Syndromes, Hereditary; Tumor predisposition. Identifiers: Orphanet 140162, MedGen C0027672, MeSH D009386, MONDO:0015356.
Bloom syndrome (BLM). Also called: Bloom-Torre-Machacek syndrome. Identifiers: Orphanet 125, MedGen C0005859, MONDO:0008876, OMIM 210900.

Allele frequency attached by ClinVar (database versions not stated): TOPMed below 0.00001.

Submissions (2):

Ambry Genetics
Classification: Uncertain significance for Hereditary cancer-predisposing syndrome. Last evaluated: 2022-12-14. Review status: criteria provided, single submitter. Criteria: Ambry Variant Classification Scheme 2023. Collection method: clinical testing. Allele origin: germline.
Comment: The p.H1102Y variant (also known as c.3304C>T), located in coding exon 16 of the BLM gene, results from a C to T substitution at nucleotide position 3304. The histidine at codon 1102 is replaced by tyrosine, an amino acid with similar properties. This amino acid position is conserved. In addition, this alteration is predicted to be tolerated by in silico analysis. Since supporting evidence is limited at this time, the clinical significance of this alteration remains unclear.

Labcorp Genetics (formerly Invitae), Labcorp
Classification: Uncertain significance for Bloom syndrome. Last evaluated: 2022-04-12. Review status: criteria provided, single submitter. Criteria: Invitae Variant Classification Sherloc (09022015). Collection method: clinical testing. Allele origin: germline.
Comment: This variant is not present in population databases (gnomAD no frequency). This sequence change replaces histidine, which is basic and polar, with tyrosine, which is neutral and polar, at codon 1102 of the BLM protein (p.His1102Tyr). This variant has not been reported in the literature in individuals affected with BLM-related conditions. In summary, the available evidence is currently insufficient to determine the role of this variant in disease. Therefore, it has been classified as a Variant of Uncertain Significance. Algorithms developed to predict the effect of missense changes on protein structure and function output the following: SIFT: "Tolerated"; PolyPhen-2: "Benign"; Align-GVGD: "Class C0". The tyrosine amino acid residue is found in multiple mammalian species, which suggests that this missense change does not adversely affect protein function.

NM_000057.4(BLM):c.3304C>T (p.His1102Tyr)

Gene: BLM (BLM RecQ like helicase; plus strand). Cytogenetic location: 15q26.1.
Variant type: single nucleotide variant.
Coding change: c.3304C>T on transcript NM_000057.4 (MANE Select); coding-DNA position 3304, C replaced by T.
Protein change: p.His1102Tyr; replaces histidine 1102 with tyrosine.
Molecular consequence: missense variant.
Genome position (GRCh38, 1-based): chr15:90,798,283, C>T. VCF-style: chr15-90798283-C-T. GRCh37 (hg19) VCF-style: chr15-91341513-C-T.
Other names: c.3304C>T, p.His1102Tyr (NM_001287246.2, NM_001287247.2); c.2179C>T, p.His727Tyr (NM_001287248.2); short protein forms H727Y, H1102Y.
Identifiers: ClinVar variation 1920350 (VCV001920350.7), dbSNP rs1214857956, ClinGen allele CA393847303.
Genomic context (GRCh38, chr15:90,798,283, plus strand): 5'-AAAAGTATTGTAAGATTTGTTCAAGAACATAGTTCATCACAAGGAATGAGAAATATAAAA[C>T]ATGTAGGTCCTTCTGGAAGATTTACTATGAATATGCTGGTCGACATTTTCTTGGGTAAGT-3'
Protein context (NP_000048.1, residues 1092-1112): SSSQGMRNIK[His1102Tyr]VGPSGRFTMN